The following is an entry in ClinVar:

NM_000512.5(GALNS):c.1142C>G (p.Pro381Arg)

Gene: GALNS (galactosamine (N-acetyl)-6-sulfatase; minus strand). Cytogenetic location: 16q24.3.
Variant type: single nucleotide variant.
Coding change: c.1142C>G on transcript NM_000512.5 (MANE Select); coding-DNA position 1142, C replaced by G.
Protein change: p.Pro381Arg; replaces proline 381 with arginine.
Molecular consequence: missense variant.
Genome position (GRCh38, 1-based): chr16:88,824,867, G>C on the plus strand (C>G on the coding strand, the complement: GALNS is on the minus strand). VCF-style: chr16-88824867-G-C. GRCh37 (hg19) VCF-style: chr16-88891275-G-C.
Other names: c.587C>G, p.Pro196Arg (NM_001323543.2); c.1160C>G, p.Pro387Arg (NM_001323544.2); short protein forms P196R, P381R, P387R.
Identifiers: ClinVar variation 1048229 (VCV001048229.4), dbSNP rs2142993896, ClinGen allele CA397097760.

ClinVar aggregate classification (germline): Conflicting classifications of pathogenicity. Review status: criteria provided, conflicting classifications (1 of 4 stars). 2 submissions from 2 submitters: Likely pathogenic (1); Uncertain significance (1). Last evaluated 2022-02-23.

Conditions:
Mucopolysaccharidosis, MPS-IV-A (MPS4A). Also called: Mucopolysaccharidosis type IV A; Mucopolysaccharidosis Type IVA; Morquio syndrome A, mild; MORQUIO SYNDROME A; MPS IVA; mucopolysaccharidosis type 4A. Identifiers: Orphanet 309297, Orphanet 582, MedGen C0086651, MONDO:0009659, OMIM 253000.

Allele frequency attached by ClinVar (database versions not stated): gnomAD exomes below 0.00001.
gnomAD v4.1: 1 of 1,612,940 alleles (0.000062%); highest among the groups gnomAD compares: East Asian, 0.0022%; no homozygotes.

Submissions (2):

Huiwen Zhang's lab, Shanghai Jiao Tong University School of Medicine, Xinhua Hospital
Classification: Likely pathogenic for Mucopolysaccharidosis, MPS-IV-A. Last evaluated: 2022-02-23. Review status: criteria provided, single submitter. Criteria: ACMG Guidelines, 2015. Collection method: clinical testing. Allele origin: germline. Affected: yes.

Laboratory of Diagnosis and Therapy of Lysosomal Disorders, University of Padova
Classification: Uncertain significance for Mucopolysaccharidosis, MPS-IV-A. Last evaluated: 2021-02-01. Review status: criteria provided, single submitter. Criteria: ACMG Guidelines, 2015. Collection method: research. Allele origin: germline. Affected: yes.
Comment: Absent from gnomAD v2.1.1 (PM2_moderate)

Literature cited by the submitters: PubMed 35212421 (cited by Huiwen Zhang's lab, Shanghai Jiao Tong University School of Medicine, Xinhua Hospital); PubMed 34387910 (cited by Laboratory of Diagnosis and Therapy of Lysosomal Disorders, University of Padova).